The following is an entry in ClinVar:

NM_014225.6(PPP2R1A):c.1564C>G (p.Leu522Val)

Genes: PPP2R1A (protein phosphatase 2 scaffold subunit Aalpha; plus strand), LOC126862924 (BRD4-independent group 4 enhancer GRCh37_chr19:52724813-52726012; plus strand). Cytogenetic location: 19q13.41.
Variant type: single nucleotide variant.
Coding change: c.1564C>G on transcript NM_014225.6 (MANE Select); coding-DNA position 1564, C replaced by G.
Protein change: p.Leu522Val; replaces leucine 522 with valine.
Molecular consequence: missense variant. On other transcripts: non-coding transcript variant (1).
Genome position (GRCh38, 1-based): chr19:52,222,144, C>G. VCF-style: chr19-52222144-C-G. GRCh37 (hg19) VCF-style: chr19-52725397-C-G.
Other names: c.1027C>G, p.Leu343Val (NM_001363656.2); short protein forms L343V, L522V.
Identifiers: ClinVar variation 4680914 (VCV004680914.1).
Genomic context (GRCh38, chr19:52,222,144, plus strand): 5'-CTCACTGGCCCCCAGGTGCTGTCTGAGGTCTGTGGGCAGGACATCACCACCAAGCACATG[C>G]TACCCACGGTTCTGCGCATGGCTGGGGACCCGGTTGCCAATGTCCGCTTCAATGTGGCCA-3'
Protein context (NP_055040.2, residues 512-532): CGQDITTKHM[Leu522Val]PTVLRMAGDP

ClinVar aggregate classification (germline): Uncertain significance (1 of 4 stars; one submission).

Submission:

GeneDx
Classification: Uncertain significance. Last evaluated: 2025-06-30. Review status: criteria provided, single submitter. Criteria: GeneDx Variant Classification Process June 2021. Collection method: clinical testing. Allele origin: germline. Affected: yes.
Comment: Not observed at significant frequency in large population cohorts (gnomAD); In silico analysis suggests that this missense variant does not alter protein structure/function; Has not been previously published as pathogenic or benign to our knowledge